The following is an entry in ClinVar:

NM_022455.5(NSD1):c.5321T>A (p.Ile1774Asn)

Genes: NSD1 (nuclear receptor binding SET domain protein 1; plus strand), LOC126807619 (MED14-independent group 3 enhancer GRCh37_chr5:176696443-176697642; plus strand). Cytogenetic location: 5q35.3.
Variant type: single nucleotide variant.
Coding change: c.5321T>A on transcript NM_022455.5 (MANE Select); coding-DNA position 5321, T replaced by A.
Protein change: p.Ile1774Asn; replaces isoleucine 1774 with asparagine.
Molecular consequence: missense variant.
Genome position (GRCh38, 1-based): chr5:177,269,619, T>A. VCF-style: chr5-177269619-T-A. GRCh37 (hg19) VCF-style: chr5-176696620-T-A.
Other names: c.4448T>A, p.Ile1483Asn (NM_001365684.2, NM_001409308.1, NM_001409309.1 and 1 more transcripts); c.5321T>A, p.Ile1774Asn (NM_001409301.1, NM_001409302.1, NM_001409303.1); c.4901T>A, p.Ile1634Asn (NM_001409304.1); c.4568T>A, p.Ile1523Asn (NM_001409305.1); c.4559T>A, p.Ile1520Asn (NM_001409306.1, NM_001409307.1); short protein forms I1505N, I1774N, I1634N, I1483N, I1523N, I1520N.
Identifiers: ClinVar variation 1459954 (VCV001459954.6), dbSNP rs2149934255, ClinGen allele CA362306697.

ClinVar aggregate classification (germline): Pathogenic (1 of 4 stars; one submission).

Submission:

Labcorp Genetics (formerly Invitae), Labcorp
Classification: Pathogenic. Last evaluated: 2022-08-09. Review status: criteria provided, single submitter. Criteria: Invitae Variant Classification Sherloc (09022015). Collection method: clinical testing. Allele origin: germline.
Comment: For these reasons, this variant has been classified as Pathogenic. Advanced modeling of protein sequence and biophysical properties (such as structural, functional, and spatial information, amino acid conservation, physicochemical variation, residue mobility, and thermodynamic stability) performed at Invitae indicates that this missense variant is expected to disrupt NSD1 protein function. ClinVar contains an entry for this variant (Variation ID: 1459954). This missense change has been observed in individual(s) with clinical features of NSD1-related conditions (Invitae). In at least one individual the variant was observed to be de novo. This variant is not present in population databases (gnomAD no frequency). This sequence change replaces isoleucine, which is neutral and non-polar, with asparagine, which is neutral and polar, at codon 1774 of the NSD1 protein (p.Ile1774Asn).